The following is an entry in ClinVar:

NM_000334.4(SCN4A):c.1609C>A (p.Leu537Met)

Gene: SCN4A (sodium voltage-gated channel alpha subunit 4; minus strand). Cytogenetic location: 17q23.3.
Variant type: single nucleotide variant.
Coding change: c.1609C>A on transcript NM_000334.4 (MANE Select); coding-DNA position 1609, C replaced by A.
Protein change: p.Leu537Met; replaces leucine 537 with methionine.
Molecular consequence: missense variant.
Genome position (GRCh38, 1-based): chr17:63,961,429, G>T on the plus strand (C>A on the coding strand, the complement: SCN4A is on the minus strand). VCF-style: chr17-63961429-G-T. GRCh37 (hg19) VCF-style: chr17-62038789-G-T.
Other names: short protein forms L537M.
Identifiers: ClinVar variation 3630078 (VCV003630078.2).

ClinVar aggregate classification (germline): Uncertain significance (1 of 4 stars; one submission).

Conditions:
Hyperkalemic periodic paralysis. Also called: Familial hyperkalemic periodic paralysis; Gamstorp disease. Identifiers: Orphanet 682, MedGen C0238357, MONDO:0008224, OMIM 170500, HP:0007215.

Submission:

Labcorp Genetics (formerly Invitae), Labcorp
Classification: Uncertain significance for Hyperkalemic periodic paralysis. Last evaluated: 2024-05-23. Review status: criteria provided, single submitter. Criteria: Invitae Variant Classification Sherloc (09022015). Collection method: clinical testing. Allele origin: germline.
Comment: This sequence change replaces leucine, which is neutral and non-polar, with methionine, which is neutral and non-polar, at codon 537 of the SCN4A protein (p.Leu537Met). This variant is present in population databases (no rsID available, gnomAD 0.006%). This variant has not been reported in the literature in individuals affected with SCN4A-related conditions. An algorithm developed to predict the effect of missense changes on protein structure and function (PolyPhen-2) suggests that this variant is likely to be disruptive. In summary, the available evidence is currently insufficient to determine the role of this variant in disease. Therefore, it has been classified as a Variant of Uncertain Significance.